The following is an entry in ClinVar:

ClinVar aggregate classification (germline): Likely benign. Review status: criteria provided, multiple submitters, no conflicts (2 of 4 stars). 2 submissions from 2 submitters: Likely benign (2). Last evaluated 2023-12-08.

Allele frequency attached by ClinVar (database versions not stated): TOPMed 0.00006; ESP Exome Variant Server 0.00008.
gnomAD v4.1: 25 of 1,433,966 alleles (0.0017%); highest among the groups gnomAD compares: Non-Finnish European, 0.0023%; no homozygotes.

Submissions (2):

Labcorp Genetics (formerly Invitae), Labcorp
Classification: Likely benign. Last evaluated: 2023-12-08. Review status: criteria provided, single submitter. Criteria: Invitae Variant Classification Sherloc (09022015). Collection method: clinical testing. Allele origin: germline.

GeneDx
Classification: Likely benign. Last evaluated: 2016-06-03. Review status: criteria provided, single submitter. Criteria: GeneDx Variant Classification (06012015). Collection method: clinical testing. Allele origin: germline. Affected: yes.
Comment: This variant is considered likely benign or benign based on one or more of the following criteria: it is a conservative change, it occurs at a poorly conserved position in the protein, it is predicted to be benign by multiple in silico algorithms, and/or has population frequency not consistent with disease.

NM_212552.3(BOLA3):c.169+14C>A

Gene: BOLA3 (bolA family member 3; minus strand). Cytogenetic location: 2p13.1.
Variant type: single nucleotide variant.
Coding change: c.169+14C>A on transcript NM_212552.3 (MANE Select); 14 bases into the intron after coding-DNA position 169, C replaced by A.
Molecular consequence: intron variant.
Genome position (GRCh38, 1-based): chr2:74,145,175, G>T on the plus strand (C>A on the coding strand, the complement: BOLA3 is on the minus strand). VCF-style: chr2-74145175-G-T. GRCh37 (hg19) VCF-style: chr2-74372302-G-T.
Other names: c.169+14C>A (NM_001035505.2).
Identifiers: ClinVar variation 385800 (VCV000385800.4), dbSNP rs372348759, ClinGen allele CA16604703.